The following is an entry in ClinVar:

NM_006231.4(POLE):c.3388T>C (p.Trp1130Arg)

Gene: POLE (DNA polymerase epsilon, catalytic subunit; minus strand). Cytogenetic location: 12q24.33.
Variant type: single nucleotide variant.
Coding change: c.3388T>C on transcript NM_006231.4 (MANE Select); coding-DNA position 3388, T replaced by C.
Protein change: p.Trp1130Arg; replaces tryptophan 1130 with arginine.
Molecular consequence: missense variant.
Genome position (GRCh38, 1-based): chr12:132,657,420, A>G on the plus strand (T>C on the coding strand, the complement: POLE is on the minus strand). VCF-style: chr12-132657420-A-G. GRCh37 (hg19) VCF-style: chr12-133234006-A-G.
Other names: short protein forms W1130R.
Identifiers: ClinVar variation 644768 (VCV000644768.10), dbSNP rs1593766757, ClinGen allele CA387389540.

ClinVar aggregate classification (germline): Uncertain significance. Review status: criteria provided, multiple submitters, no conflicts (2 of 4 stars). 3 submissions from 3 submitters: Uncertain significance (3). Last evaluated 2024-04-22.

Conditions:
Hereditary cancer-predisposing syndrome. Also called: Hereditary Cancer Syndrome; Tumor predisposition; Hereditary neoplastic syndrome; Neoplastic Syndromes, Hereditary. Identifiers: Orphanet 140162, MedGen C0027672, MeSH D009386, MONDO:0015356.

Submissions (3):

Labcorp Genetics (formerly Invitae), Labcorp
Classification: Uncertain significance. Last evaluated: 2024-04-22. Review status: criteria provided, single submitter. Criteria: Invitae Variant Classification Sherloc (09022015). Collection method: clinical testing. Allele origin: germline.
Comment: This sequence change replaces tryptophan, which is neutral and slightly polar, with arginine, which is basic and polar, at codon 1130 of the POLE protein (p.Trp1130Arg). This variant is not present in population databases (gnomAD no frequency). This variant has not been reported in the literature in individuals affected with POLE-related conditions. ClinVar contains an entry for this variant (Variation ID: 644768). Advanced modeling of protein sequence and biophysical properties (such as structural, functional, and spatial information, amino acid conservation, physicochemical variation, residue mobility, and thermodynamic stability) performed at Invitae indicates that this missense variant is expected to disrupt POLE protein function with a positive predictive value of 80%. In summary, the available evidence is currently insufficient to determine the role of this variant in disease. Therefore, it has been classified as a Variant of Uncertain Significance.

Ambry Genetics
Classification: Uncertain significance for Hereditary cancer-predisposing syndrome. Last evaluated: 2023-09-17. Review status: criteria provided, single submitter. Criteria: Ambry Variant Classification Scheme 2023. Collection method: clinical testing. Allele origin: germline.
Comment: The p.W1130R variant (also known as c.3388T>C), located in coding exon 28 of the POLE gene, results from a T to C substitution at nucleotide position 3388. The tryptophan at codon 1130 is replaced by arginine, an amino acid with dissimilar properties. This amino acid position is conserved. In addition, this alteration is predicted to be deleterious by in silico analysis. Since supporting evidence is limited at this time, the clinical significance of this alteration remains unclear.

GeneDx
Classification: Uncertain significance. Last evaluated: 2022-07-12. Review status: criteria provided, single submitter. Criteria: GeneDx Variant Classification Process June 2021. Collection method: clinical testing. Allele origin: germline. Affected: yes.
Comment: Not observed at significant frequency in large population cohorts (gnomAD); In silico analysis supports that this missense variant has a deleterious effect on protein structure/function; Has not been previously published as pathogenic or benign to our knowledge